The following is an entry in ClinVar:

NM_004036.5(ADCY3):c.2849G>C (p.Arg950Pro)

Gene: ADCY3 (adenylate cyclase 3; minus strand). Cytogenetic location: 2p23.3.
Variant type: single nucleotide variant.
Coding change: c.2849G>C on transcript NM_004036.5 (MANE Select); coding-DNA position 2849, G replaced by C.
Protein change: p.Arg950Pro; replaces arginine 950 with proline.
Molecular consequence: missense variant. On other transcripts: intron variant (1).
Genome position (GRCh38, 1-based): chr2:24,823,243, C>G on the plus strand (G>C on the coding strand, the complement: ADCY3 is on the minus strand). VCF-style: chr2-24823243-C-G. GRCh37 (hg19) VCF-style: chr2-25046112-C-G.
Other names: c.2852G>C, p.Arg951Pro (NM_001320613.2); c.2915G>C, p.Arg972Pro (NM_001377128.1); c.2711G>C, p.Arg904Pro (NM_001377129.1); c.2126G>C, p.Arg709Pro (NM_001377131.1); c.2849G>C, p.Arg950Pro (NM_001377132.1); c.2332-613G>C (NM_001377130.1); short protein forms R972P, R709P, R904P, R950P, R951P.
Identifiers: ClinVar variation 4994988 (VCV004994988.1).

ClinVar aggregate classification (germline): Uncertain significance (1 of 4 stars; one submission).

Conditions:
ADCY3-related disorder. Also called: ADCY3-related condition.

Submission:

PreventionGenetics, part of Exact Sciences
Classification: Uncertain significance for ADCY3-related condition. Last evaluated: 2025-09-22. Review status: criteria provided, single submitter. Criteria: ACMG Guidelines, 2015. Collection method: clinical testing. Allele origin: germline.
Comment: The ADCY3 c.2852G>C variant is predicted to result in the amino acid substitution p.Arg951Pro. To our knowledge, this variant has not been reported in the literature or in a large population database (gnomAD), indicating this variant is rare. At this time, the clinical significance of this variant is uncertain due to the absence of conclusive functional and genetic evidence.